The following is an entry in ClinVar:

ClinVar aggregate classification (germline): Pathogenic/Likely pathogenic. Review status: criteria provided, multiple submitters, no conflicts (2 of 4 stars). 7 submissions from 7 submitters: Pathogenic (5); Likely pathogenic (2). Last evaluated 2025-05-20.

Conditions:
Hereditary cancer-predisposing syndrome. Also called: Neoplastic Syndromes, Hereditary; Hereditary neoplastic syndrome; Tumor predisposition; Hereditary Cancer Syndrome. Identifiers: Orphanet 140162, MedGen C0027672, MeSH D009386, MONDO:0015356.
Familial cancer of breast. Also called: Hereditary breast cancer; hereditary breast carcinoma; BREAST CANCER, FAMILIAL. Identifiers: Orphanet 227535, MedGen C0346153, MONDO:0016419, OMIM 114480. Disease mechanism: loss of function.
Ataxia-telangiectasia syndrome (AT). Also called: Ataxia-telangiectasia, complementation group D; AT, COMPLEMENTATION GROUP C; Ataxia telangiectasia (A-T); ATAXIA-TELANGIECTASIA, COMPLEMENTATION GROUP A; ATAXIA-TELANGIECTASIA, FRESNO VARIANT; Ataxia-telangiectasia. Identifiers: Orphanet 100, MedGen C0004135, MONDO:0008840, OMIM 208900.

Submissions (7):

Variantyx, Inc.
Classification: Pathogenic for Ataxia-telangiectasia syndrome. Last evaluated: 2025-05-20. Review status: criteria provided, single submitter. Criteria: Variantyx Assertion Criteria 2022. Collection method: clinical testing. Allele origin: germline. Inheritance: Autosomal recessive inheritance. Affected: yes.
Comment: This is a frameshift variant in the ATM gene (OMIM: 607585). Pathogenic variants in this gene have been associated with autosomal recessive ataxia-telangiectasia. This variant introduces a premature termination codon in exon 7 out of 63 and is expected to result in loss of function, which is a known disease mechanism for ATM in this disorder (PMID: 20301790, 35145552) (PVS1). Based on the current evidence, this variant is classified as pathogenic for autosomal recessive ataxia-telangiectasia.

Color Diagnostics, LLC DBA Color Health
Classification: Pathogenic for Hereditary cancer-predisposing syndrome. Last evaluated: 2024-12-23. Review status: criteria provided, single submitter. Criteria: ACMG Guidelines, 2015. Collection method: clinical testing. Allele origin: germline.
Comment: This variant deletes 1 nucleotide in exon 7 of the ATM gene, creating a frameshift and premature translation stop signal. This variant is expected to result in an absent or non-functional protein product. To our knowledge, this variant has not been reported in individuals affected with ATM-related disorders in the literature. This variant has not been identified in the general population by the Genome Aggregation Database (gnomAD). Loss of ATM function is a known mechanism of disease. Based on the available evidence, this variant is classified as Pathogenic.

Natera, Inc.
Classification: Likely pathogenic for Ataxia-telangiectasia. Last evaluated: 2024-03-27. Review status: criteria provided, single submitter. Criteria: Natera Variant Classification Schema (03/2026). Collection method: clinical testing. Allele origin: germline.
Comment: The c.710delC variant in ATM is a frameshift variant predicted to shift the reading frame beginning at codon 237 and leads to a stop codon 18 codons downstream. This variant is expected to result in nonsense mediated decay, truncation, or a dysfunctional protein product. This variant is rare in the general population with a frequency below the threshold expected for the associated phenotype(s). Given the available evidence, this variant is classified as Likely Pathogenic.

Labcorp Genetics (formerly Invitae), Labcorp
Classification: Pathogenic for Ataxia-telangiectasia syndrome. Last evaluated: 2024-02-06. Review status: criteria provided, single submitter. Criteria: Invitae Variant Classification Sherloc (09022015). Collection method: clinical testing. Allele origin: germline.
Comment: This sequence change creates a premature translational stop signal (p.Thr237Ilefs*18) in the ATM gene. It is expected to result in an absent or disrupted protein product. Loss-of-function variants in ATM are known to be pathogenic (PMID: 23807571, 25614872). This variant is not present in population databases (gnomAD no frequency). This variant has not been reported in the literature in individuals affected with ATM-related conditions. ClinVar contains an entry for this variant (Variation ID: 407633). For these reasons, this variant has been classified as Pathogenic.

Myriad Genetics, Inc.
Classification: Pathogenic for Familial cancer of breast. Last evaluated: 2024-01-10. Review status: criteria provided, single submitter. Criteria: Myriad Autosomal Dominant, Autosomal Recessive and X-Linked Classification Criteria (2023). Collection method: clinical testing. Allele origin: unknown.
Comment: This variant is considered pathogenic. This variant creates a frameshift predicted to result in premature protein truncation.

Baylor Genetics
Classification: Likely pathogenic for Familial cancer of breast. Last evaluated: 2024-01-02. Review status: criteria provided, single submitter. Criteria: ACMG Guidelines, 2015. Collection method: clinical testing. Allele origin: unknown.

Ambry Genetics
Classification: Pathogenic for Hereditary cancer-predisposing syndrome. Last evaluated: 2022-12-02. Review status: criteria provided, single submitter. Criteria: Ambry Variant Classification Scheme 2023. Collection method: clinical testing. Allele origin: germline.
Comment: The c.710delC pathogenic mutation, located in coding exon 6 of the ATM gene, results from a deletion of one nucleotide at nucleotide position 710, causing a translational frameshift with a predicted alternate stop codon (p.T237Ifs*18). This variant is considered to be rare based on population cohorts in the Genome Aggregation Database (gnomAD). This alteration is expected to result in loss of function by premature protein truncation or nonsense-mediated mRNA decay. As such, this alteration is interpreted as a disease-causing mutation.

Literature cited by the submitters: PubMed 20301790 (cited by Variantyx, Inc.); PubMed 35145552 (cited by Variantyx, Inc.); PubMed 23807571 (cited by Labcorp Genetics (formerly Invitae), Labcorp); PubMed 25614872 (cited by Labcorp Genetics (formerly Invitae), Labcorp).

NM_000051.4(ATM):c.710del (p.Thr237fs)

Gene: ATM (ATM serine/threonine kinase; plus strand). Cytogenetic location: 11q22.3.
Variant type: Deletion.
Coding change: c.710del on transcript NM_000051.4 (MANE Select); coding-DNA position 710, one base deleted (C; older notation c.710delC).
Protein change: p.Thr237fs; shifts the reading frame from threonine 237.
Molecular consequence: frameshift variant.
Genome position (GRCh38, 1-based): chr11:108,244,835, C deleted. VCF-style (leftmost placement, unchanged base first): chr11-108244834-AC-A. GRCh37 (hg19) VCF-style: chr11-108115561-AC-A.
Other names: c.710del, p.Thr237fs (NM_001351834.2); c.710delC (NM_000051.3); short protein forms T237fs.
Identifiers: ClinVar variation 407633 (VCV000407633.13), dbSNP rs1060501642, ClinGen allele CA16613298.